The following is an entry in ClinVar:

NM_000069.3(CACNA1S):c.585_586dup (p.Leu196fs)

Gene: CACNA1S (calcium voltage-gated channel subunit alpha1 S; minus strand). Cytogenetic location: 1q32.1.
Variant type: Duplication.
Coding change: c.585_586dup on transcript NM_000069.3 (MANE Select); coding-DNA positions 585 to 586, 2 bases duplicated (CC; older notation c.585_586dupCC).
Protein change: p.Leu196fs; shifts the reading frame from leucine 196.
Molecular consequence: frameshift variant.
Genome position (GRCh38, 1-based): chr1:201,091,748-201,091,749, GG duplicated on the plus strand (CC on the coding strand, the reverse complement: CACNA1S is on the minus strand); duplicating any 2 consecutive bases within chr1:201,091,748-201,091,752 gives the same sequence; the c. name uses the placement nearest the transcript's 3' end. VCF-style (leftmost placement, unchanged base first): chr1-201091747-A-AGG. GRCh37 (hg19) VCF-style: chr1-201060875-A-AGG.
Other names: short protein forms L196fs.
Identifiers: ClinVar variation 5002256 (VCV005002256.1).
Genomic context (GRCh38, chr1:201,091,747, plus strand): 5'-TCCAGCCCGATGATGGCATAGATGATGACCATAAAGAGGACCAGCAGGGCGATGTGAAAG[A>AGG]GGGGGAGCATGGCCTTGAAGATGGAGTTCAGGACCACCTGCAGGCCTGCAGAGGCAGGCA-3'

ClinVar aggregate classification (germline): Likely pathogenic (1 of 4 stars; one submission).

Conditions:
CACNA1S-related disorder. Also called: CACNA1S-related condition.

Submission:

PreventionGenetics, part of Exact Sciences
Classification: Likely pathogenic for CACNA1S-related condition. Last evaluated: 2025-08-31. Review status: criteria provided, single submitter. Criteria: ACMG Guidelines, 2015. Collection method: clinical testing. Allele origin: germline.
Comment: The CACNA1S c.585_586dupCC variant is predicted to result in a frameshift and premature protein termination (p.Leu196Profs*139). To our knowledge, this variant has not been reported in the literature or in a large population database (gnomAD), indicating this variant is rare. Frameshift variants in CACNA1S are expected to be pathogenic. This variant is interpreted as likely pathogenic.